The following is an entry in ClinVar:

NM_022773.4(LMF1):c.56A>C (p.Lys19Thr)

Genes: LMF1 (lipase maturation factor 1; minus strand), LOC130058141 (ATAC-STARR-seq lymphoblastoid silent region 6962; plus strand). Cytogenetic location: 16p13.3.
Variant type: single nucleotide variant.
Coding change: c.56A>C on transcript NM_022773.4 (MANE Select); coding-DNA position 56, A replaced by C.
Protein change: p.Lys19Thr; replaces lysine 19 with threonine.
Molecular consequence: missense variant. On other transcripts: 5 prime UTR variant (1), non-coding transcript variant (1), intron variant (3).
Genome position (GRCh38, 1-based): chr16:970,925, T>G on the plus strand (A>C on the coding strand, the complement: LMF1 is on the minus strand). VCF-style: chr16-970925-T-G. GRCh37 (hg19) VCF-style: chr16-1020925-T-G.
Other names: c.56A>C, p.Lys19Thr (NM_001352020.1); c.-650A>C (NM_001352021.2); c.-135+10220A>C (NM_001352019.2); c.-611+10220A>C (NM_001352017.2); c.-362+10220A>C (NM_001352018.2); short protein forms K19T.
Identifiers: ClinVar variation 2847169 (VCV002847169.3), dbSNP rs2548412154, ClinGen allele CA394111663.
Genomic context (GRCh38, chr16:970,925, plus strand): 5'-CCTGCGGGGCCACGCCCCGGCGCGGGCGGCGACTCAGGCTCCGGATCCGAGTACCCAGTC[T>G]TCCGCCTCCTCAGCGACTCCGCGGGCGCCGCCATTGTTGGGCTGTCAGGGCGCATGTGCG-3'
Protein context (NP_073610.2, residues 9-29): AAPAESLRRR[Lys19Thr]TGYSDPEPES

ClinVar aggregate classification (germline): Uncertain significance (1 of 4 stars; one submission).

Submission:

Labcorp Genetics (formerly Invitae), Labcorp
Classification: Uncertain significance. Last evaluated: 2023-03-18. Review status: criteria provided, single submitter. Criteria: Invitae Variant Classification Sherloc (09022015). Collection method: clinical testing. Allele origin: germline.
Comment: In summary, the available evidence is currently insufficient to determine the role of this variant in disease. Therefore, it has been classified as a Variant of Uncertain Significance. An algorithm developed to predict the effect of missense changes on protein structure and function (PolyPhen-2) suggests that this variant is likely to be tolerated. This variant has not been reported in the literature in individuals affected with LMF1-related conditions. This variant is not present in population databases (gnomAD no frequency). This sequence change replaces lysine, which is basic and polar, with threonine, which is neutral and polar, at codon 19 of the LMF1 protein (p.Lys19Thr).